The following is an entry in ClinVar:

NM_006876.3(B4GAT1):c.1100A>G (p.Asn367Ser)

Gene: B4GAT1 (beta-1,4-glucuronyltransferase 1; minus strand). Cytogenetic location: 11q13.2.
Variant type: single nucleotide variant.
Coding change: c.1100A>G on transcript NM_006876.3 (MANE Select); coding-DNA position 1100, A replaced by G.
Protein change: p.Asn367Ser; replaces asparagine 367 with serine.
Molecular consequence: missense variant.
Genome position (GRCh38, 1-based): chr11:66,346,197, T>C on the plus strand (A>G on the coding strand, the complement: B4GAT1 is on the minus strand). VCF-style: chr11-66346197-T-C. GRCh37 (hg19) VCF-style: chr11-66113668-T-C.
Other names: short protein forms N367S.
Identifiers: ClinVar variation 1413052 (VCV001413052.5), dbSNP rs1024259166, ClinGen allele CA224043181.

ClinVar aggregate classification (germline): Uncertain significance (1 of 4 stars; one submission).

Conditions:
Muscular dystrophy-dystroglycanopathy (congenital with brain and eye anomalies), type A13. Also called: WALKER-WARBURG SYNDROME OR MUSCLE-EYE-BRAIN DISEASE, B3GNT1-RELATED; Muscular dystrophy-dystroglycanopathy (congenital with brain and eye anomalies), type a, 13. Identifiers: Orphanet 899, MedGen C3809042, MONDO:0014120, OMIM 615287.

Allele frequency attached by ClinVar (database versions not stated): gnomAD exomes below 0.00001; gnomAD 0.00005 and 0.00006; TOPMed 0.00005.

Submission:

Labcorp Genetics (formerly Invitae), Labcorp
Classification: Uncertain significance for Muscular dystrophy-dystroglycanopathy (congenital with brain and eye anomalies), type A13. Last evaluated: 2021-09-17. Review status: criteria provided, single submitter. Criteria: Invitae Variant Classification Sherloc (09022015). Collection method: clinical testing. Allele origin: germline.
Comment: This sequence change replaces asparagine with serine at codon 367 of the B4GAT1 protein (p.Asn367Ser). The asparagine residue is moderately conserved and there is a small physicochemical difference between asparagine and serine. This variant is not present in population databases (ExAC no frequency). This variant has not been reported in the literature in individuals affected with B4GAT1-related conditions. Algorithms developed to predict the effect of missense changes on protein structure and function (SIFT, PolyPhen-2, Align-GVGD) all suggest that this variant is likely to be tolerated. In summary, the available evidence is currently insufficient to determine the role of this variant in disease. Therefore, it has been classified as a Variant of Uncertain Significance.